The following is an entry in ClinVar:

NM_004656.4(BAP1):c.392T>G (p.Ile131Ser)

Gene: BAP1 (BRCA1 associated deubiquitinase 1; minus strand). Cytogenetic location: 3p21.1.
Variant type: single nucleotide variant.
Coding change: c.392T>G on transcript NM_004656.4 (MANE Select); coding-DNA position 392, T replaced by G.
Protein change: p.Ile131Ser; replaces isoleucine 131 with serine.
Molecular consequence: missense variant.
Genome position (GRCh38, 1-based): chr3:52,407,444, A>C on the plus strand (T>G on the coding strand, the complement: BAP1 is on the minus strand). VCF-style: chr3-52407444-A-C. GRCh37 (hg19) VCF-style: chr3-52441460-A-C.
Other names: c.392T>G, p.Ile131Ser (NM_001410772.1); short protein forms I131S.
Identifiers: ClinVar variation 5032730 (VCV005032730.1).

ClinVar aggregate classification (germline): Uncertain significance (1 of 4 stars; one submission).

Conditions:
Hereditary cancer-predisposing syndrome. Also called: Neoplastic Syndromes, Hereditary; Tumor predisposition; Hereditary neoplastic syndrome; Hereditary Cancer Syndrome. Identifiers: Orphanet 140162, MedGen C0027672, MeSH D009386, MONDO:0015356.

Submission:

Ambry Genetics
Classification: Uncertain significance for Hereditary cancer-predisposing syndrome. Last evaluated: 2026-07-11. Review status: criteria provided, single submitter. Criteria: Ambry Variant Classification Scheme 2023. Collection method: clinical testing. Allele origin: germline.
Comment: The p.I131S variant (also known as c.392T>G), located in coding exon 6 of the BAP1 gene, results from a T to G substitution at nucleotide position 392. The isoleucine at codon 131 is replaced by serine, an amino acid with dissimilar properties. This amino acid position is conserved. In addition, this alteration is predicted to be deleterious by in silico analysis. Based on the available evidence, the clinical significance of this variant remains unclear.